The following is an entry in ClinVar:

NM_005422.4(TECTA):c.5818G>A (p.Ala1940Thr)

Genes: TBCEL-TECTA (TBCEL-TECTA readthrough; plus strand), TECTA (tectorin alpha; plus strand). Cytogenetic location: 11q23.3.
Variant type: single nucleotide variant.
Coding change: c.5818G>A on transcript NM_005422.4 (MANE Select); coding-DNA position 5818, G replaced by A.
Protein change: p.Ala1940Thr; replaces alanine 1940 with threonine.
Molecular consequence: missense variant.
Genome position (GRCh38, 1-based): chr11:121,168,744, G>A. VCF-style: chr11-121168744-G-A. GRCh37 (hg19) VCF-style: chr11-121039453-G-A.
Other names: c.6760G>A, p.Ala2254Thr (NM_001378761.1); short protein forms A1940T, A2254T.
Identifiers: ClinVar variation 1703947 (VCV001703947.5), dbSNP rs759489246, ClinGen allele CA6327828.

ClinVar aggregate classification (germline): Uncertain significance. Review status: criteria provided, multiple submitters, no conflicts (2 of 4 stars). 3 submissions from 3 submitters: Uncertain significance (3). Last evaluated 2025-08-15.

Conditions:
TECTA-related disorder. Also called: TECTA-related condition.

Allele frequency attached by ClinVar (database versions not stated): gnomAD 0.00001; gnomAD exomes 0.00001; ExAC 0.00002; TOPMed 0.00002.
gnomAD v4.1: 22 of 1,613,984 alleles (0.0014%); highest among the groups gnomAD compares: Admixed American, 0.005%; no homozygotes.

Submissions (3):

Labcorp Genetics (formerly Invitae), Labcorp
Classification: Uncertain significance. Last evaluated: 2025-08-15. Review status: criteria provided, single submitter. Criteria: Invitae Variant Classification Sherloc (09022015). Collection method: clinical testing. Allele origin: germline.
Comment: This sequence change replaces alanine, which is neutral and non-polar, with threonine, which is neutral and polar, at codon 1940 of the TECTA protein (p.Ala1940Thr). This variant is present in population databases (rs759489246, gnomAD 0.009%). This missense change has been observed in individual(s) with deafness (PMID: 28000701). ClinVar contains an entry for this variant (Variation ID: 1703947). Invitae Evidence Modeling of protein sequence and biophysical properties (such as structural, functional, and spatial information, amino acid conservation, physicochemical variation, residue mobility, and thermodynamic stability) indicates that this missense variant is not expected to disrupt TECTA protein function with a negative predictive value of 95%. In summary, the available evidence is currently insufficient to determine the role of this variant in disease. Therefore, it has been classified as a Variant of Uncertain Significance.

PreventionGenetics, part of Exact Sciences
Classification: Uncertain significance for TECTA-related condition. Last evaluated: 2024-11-14. Review status: criteria provided, single submitter. Criteria: ACMG Guidelines, 2015. Collection method: clinical testing. Allele origin: germline.
Comment: The TECTA c.5818G>A variant is predicted to result in the amino acid substitution p.Ala1940Thr. This variant was reported in the heterozygous state in a patient with sensorineural hearing loss with onset in the second decade (Table S4, Zazo Seco et al. 2016. PubMed ID: 28000701) and has been reported as a de novo variant in at least one patient with autism (described as 11:121039453:G:A; Table S2, Iossifov et al. 2014. PubMed ID: 25363768; Table S2, Turner et al. 2019. PubMed ID: 31785789). This variant is reported in 0.0085% of alleles in individuals of Latino descent in gnomAD. At this time, the clinical significance of this variant is uncertain due to the absence of conclusive functional and genetic evidence.

GeneDx
Classification: Uncertain significance. Last evaluated: 2023-05-01. Review status: criteria provided, single submitter. Criteria: GeneDx Variant Classification Process June 2021. Collection method: clinical testing. Allele origin: germline. Affected: yes.
Comment: Identified in a patient with bilateral postlingual mid-frequency sensorineural hearing loss in published literature (Zazo Seco et al., 2017); In silico analysis supports that this missense variant does not alter protein structure/function; This variant is associated with the following publications: (PMID: 21520338, 31554319, 9590290, 16718611, 25363768, 28714951, 22495306, 28000701, 31785789)

Literature cited by the submitters: PubMed 28000701 (cited by Labcorp Genetics (formerly Invitae), Labcorp).